The following is an entry in ClinVar:

ClinVar aggregate classification (germline): Pathogenic (1 of 4 stars; one submission).

Conditions:
Familial cancer of breast. Also called: Hereditary breast cancer; hereditary breast carcinoma; BREAST CANCER, FAMILIAL. Identifiers: Orphanet 227535, MedGen C0346153, MONDO:0016419, OMIM 114480. Disease mechanism: loss of function.

Submission:

Myriad Genetics, Inc.
Classification: Pathogenic for Familial cancer of breast. Last evaluated: 2025-02-06. Review status: criteria provided, single submitter. Criteria: Myriad Autosomal Dominant, Autosomal Recessive and X-Linked Classification Criteria (2023). Collection method: clinical testing. Allele origin: unknown.
Comment: This variant is considered pathogenic. This variant creates a frameshift predicted to result in premature protein truncation.

NM_032043.3(BRIP1):c.1129dup (p.Ile377fs)

Gene: BRIP1 (BRCA1 interacting DNA helicase 1; minus strand). Cytogenetic location: 17q23.2.
Variant type: Duplication.
Coding change: c.1129dup on transcript NM_032043.3 (MANE Select); coding-DNA position 1129, one base duplicated (A; older notation c.1129dupA).
Protein change: p.Ile377fs; shifts the reading frame from isoleucine 377.
Molecular consequence: frameshift variant.
Genome position (GRCh38, 1-based): chr17:61,801,264, T duplicated on the plus strand (A on the coding strand, the reverse complement: BRIP1 is on the minus strand); the first of 3 consecutive T bases (chr17:61,801,264-61,801,266); duplicating any one gives the same sequence. VCF-style (leftmost placement, unchanged base first): chr17-61801263-A-AT. GRCh37 (hg19) VCF-style: chr17-59878624-A-AT.
Other names: short protein forms I377fs.
Identifiers: ClinVar variation 3904721 (VCV003904721.1).